The following is an entry in ClinVar:

NM_003334.4(UBA1):c.118-11_118-3del

Genes: UBA1 (ubiquitin like modifier activating enzyme 1; plus strand), LOC126863253 (CDK7 strongly-dependent group 2 enhancer GRCh37_chrX:47057593-47058792; plus strand). Cytogenetic location: Xp11.3.
Variant type: Deletion.
Coding change: c.118-11_118-3del on transcript NM_003334.4 (MANE Select); 11 bases into the intron before coding-DNA position 118 through 3 bases into the intron before coding-DNA position 118, 9 bases deleted (TCTATTCCT; older notation c.118-11_118-3delTCTATTCCT).
Molecular consequence: intron variant.
Genome position (GRCh38, 1-based): chrX:47,199,037-47,199,045, TCTATTCCT deleted. VCF-style (leftmost placement, unchanged base first): chrX-47199036-CTCTATTCCT-C. GRCh37 (hg19) VCF-style: chrX-47058435-CTCTATTCCT-C.
Other names: c.118-11_118-3del (NM_153280.3).
Identifiers: ClinVar variation 1352563 (VCV001352563.6), dbSNP rs2147250233, ClinGen allele CA2573158845.

ClinVar aggregate classification (germline): Uncertain significance (1 of 4 stars; one submission).

Conditions:
Infantile-onset X-linked spinal muscular atrophy. Also called: SPINAL MUSCULAR ATROPHY, X-LINKED LETHAL INFANTILE; AMC, DISTAL, X-LINKED; ARTHROGRYPOSIS, X-LINKED, TYPE I; Spinal Muscular Atrophy, X-Linked Infantile; Spinal muscular atrophy, X-linked 2. Identifiers: Orphanet 1145, MedGen C1844934, MONDO:0010532, OMIM 301830.

Submission:

Labcorp Genetics (formerly Invitae), Labcorp
Classification: Uncertain significance for Infantile-onset X-linked spinal muscular atrophy. Last evaluated: 2021-05-20. Review status: criteria provided, single submitter. Criteria: Invitae Variant Classification Sherloc (09022015). Collection method: clinical testing. Allele origin: germline.
Comment: In summary, the available evidence is currently insufficient to determine the role of this variant in disease. Therefore, it has been classified as a Variant of Uncertain Significance. Nucleotide substitutions within the consensus splice site are a relatively common cause of aberrant splicing (PMID: 17576681, 9536098). Algorithms developed to predict the effect of sequence changes on RNA splicing suggest that this variant is not likely to affect RNA splicing, but this prediction has not been confirmed by published transcriptional studies. This variant has not been reported in the literature in individuals with UBA1-related conditions. This variant is not present in population databases (ExAC no frequency). This sequence change falls in intron 2 of the UBA1 gene. It does not directly change the encoded amino acid sequence of the UBA1 protein. It affects a nucleotide within the consensus splice site of the intron.

Literature cited by the submitters: PubMed 17576681; PubMed 9536098.